The following is an entry in ClinVar:

NM_005883.3(APC2):c.1852A>G (p.Arg618Gly)

Gene: APC2 (APC regulator of Wnt signaling pathway 2; plus strand). Cytogenetic location: 19p13.3.
Variant type: single nucleotide variant.
Coding change: c.1852A>G on transcript NM_005883.3 (MANE Select); coding-DNA position 1852, A replaced by G.
Protein change: p.Arg618Gly; replaces arginine 618 with glycine.
Molecular consequence: missense variant.
Genome position (GRCh38, 1-based): chr19:1,462,176, A>G. VCF-style: chr19-1462176-A-G. GRCh37 (hg19) VCF-style: chr19-1462175-A-G.
Other names: c.1849A>G, p.Arg617Gly (NM_001351273.1); short protein forms R617G, R618G.
Identifiers: ClinVar variation 5019704 (VCV005019704.1).
Genomic context (GRCh38, chr19:1,462,176, plus strand): 5'-GAGAGCGGCGGCGGCATCCTCCGCAATGTGTCCAGCCTCGTCGCCACCCGTGAGGACTAC[A>G]GGTCGGCCCCCACCCCCCCACCCGCACACAGGCAGCTGCGCTCGGGGCGGGCACAGGGCT-3'
Protein context (NP_005874.1, residues 608-628): SSLVATREDY[Arg618Gly]QVLRDHNCLQ

ClinVar aggregate classification (germline): Uncertain significance (1 of 4 stars; one submission).

Conditions:
Intellectual developmental disorder, autosomal recessive 74 (MRT74). Also called: Sotos syndrome 3. Identifiers: MedGen C4310684, MONDO:0014951, OMIM 617169.
Cortical dysplasia, complex, with other brain malformations 10. Identifiers: MedGen C5231458, MONDO:0032866, OMIM 618677.

Submission:

Juno Genomics, Hangzhou Juno Genomics, Inc
Classification: Uncertain significance for Cortical dysplasia, complex, with other brain malformations 10; Intellectual developmental disorder, autosomal recessive 74. Review status: criteria provided, single submitter. Criteria: ACMG Guidelines, 2015. Collection method: clinical testing. Allele origin: germline. Affected: yes.
Comment: Absent from controls (or at extremely low frequency if recessive) in Genome Aggregation Database.;Multiple lines of computational evidence support a deleterious effect on the gene or gene product.